The following is an entry in ClinVar:

NM_002283.4(KRT85):c.1255G>A (p.Glu419Lys)

Gene: KRT85 (keratin 85; minus strand). Cytogenetic location: 12q13.13.
Variant type: single nucleotide variant.
Coding change: c.1255G>A on transcript NM_002283.4 (MANE Select); coding-DNA position 1255, G replaced by A.
Protein change: p.Glu419Lys; replaces glutamic acid 419 with lysine.
Molecular consequence: missense variant.
Genome position (GRCh38, 1-based): chr12:52,362,294, C>T on the plus strand (G>A on the coding strand, the complement: KRT85 is on the minus strand). VCF-style: chr12-52362294-C-T. GRCh37 (hg19) VCF-style: chr12-52756078-C-T.
Other names: c.619G>A, p.Glu207Lys (NM_001300810.1); short protein forms E207K, E419K.
Identifiers: ClinVar variation 4976450 (VCV004976450.1).
Genomic context (GRCh38, chr12:52,362,294, plus strand): 5'-AGTCCTCTTAGCCCCACCTGTGTTCCTCGCCCTCCAGCAGGCGCCTGTAGGTGGCGATCT[C>T]GATGTCCAGGCCCAGCTTGGAGTTCATCACCTCCTGGTACTCCTTGAGCAGGCAGGCCAT-3'
Protein context (NP_002274.1, residues 409-429): VMNSKLGLDI[Glu419Lys]IATYRRLLEG

ClinVar aggregate classification (germline): Uncertain significance (1 of 4 stars; one submission).

Submission:

GeneDx
Classification: Uncertain significance. Last evaluated: 2026-02-12. Review status: criteria provided, single submitter. Criteria: GeneDx Variant Classification Process June 2021. Collection method: clinical testing. Allele origin: germline.
Comment: Not observed at significant frequency in large population cohorts (gnomAD); In silico analysis supports that this missense variant has a deleterious effect on protein structure/function; Has not been previously published as pathogenic or benign to our knowledge